The following is an entry in ClinVar:

NM_006005.3(WFS1):c.1005C>A (p.Asn335Lys)

Gene: WFS1 (wolframin ER transmembrane glycoprotein; plus strand). Cytogenetic location: 4p16.1.
Variant type: single nucleotide variant.
Coding change: c.1005C>A on transcript NM_006005.3 (MANE Select); coding-DNA position 1005, C replaced by A.
Protein change: p.Asn335Lys; replaces asparagine 335 with lysine.
Molecular consequence: missense variant.
Genome position (GRCh38, 1-based): chr4:6,300,800, C>A. VCF-style: chr4-6300800-C-A. GRCh37 (hg19) VCF-style: chr4-6302527-C-A.
Other names: c.1005C>A, p.Asn335Lys (NM_001145853.1); short protein forms N335K.
Identifiers: ClinVar variation 3368576 (VCV003368576.1).

ClinVar aggregate classification (germline): Uncertain significance (1 of 4 stars; one submission).

Submission:

GeneDx
Classification: Uncertain significance. Last evaluated: 2024-02-01. Review status: criteria provided, single submitter. Criteria: GeneDx Variant Classification Process June 2021. Collection method: clinical testing. Allele origin: germline. Affected: yes.
Comment: Not observed at significant frequency in large population cohorts (gnomAD); In silico analysis supports that this missense variant does not alter protein structure/function; Has not been previously published as pathogenic or benign to our knowledge